The following is an entry in ClinVar:

ClinVar aggregate classification (germline): Uncertain significance (1 of 4 stars; one submission).

Conditions:
Emery-Dreifuss muscular dystrophy 5, autosomal dominant (EDMD5). Also called: EMERY-DREIFUSS MUSCULAR DYSTROPHY 5. Identifiers: Orphanet 261, MedGen C2751805, MONDO:0013072, OMIM 612999.

Allele frequency attached by ClinVar (database versions not stated): gnomAD 0.00001; TOPMed 0.00002.
gnomAD v4.1: 2 of 1,613,998 alleles (0.00012%); highest among the groups gnomAD compares: African/African-American, 0.0027%; no homozygotes.

Submission:

Labcorp Genetics (formerly Invitae), Labcorp
Classification: Uncertain significance for Emery-Dreifuss muscular dystrophy 5, autosomal dominant. Last evaluated: 2021-02-20. Review status: criteria provided, single submitter. Criteria: Invitae Variant Classification Sherloc (09022015). Collection method: clinical testing. Allele origin: germline.
Comment: In summary, the available evidence is currently insufficient to determine the role of this variant in disease. Therefore, it has been classified as a Variant of Uncertain Significance. Algorithms developed to predict the effect of missense changes on protein structure and function are either unavailable or do not agree on the potential impact of this missense change (SIFT: "Deleterious"; PolyPhen-2: "Probably Damaging"; Align-GVGD: "Class C0"). This variant has not been reported in the literature in individuals with SYNE2-related conditions. This variant is not present in population databases (ExAC no frequency). This sequence change replaces lysine with methionine at codon 5995 of the SYNE2 protein (p.Lys5995Met). The lysine residue is moderately conserved and there is a moderate physicochemical difference between lysine and methionine.

NM_182914.3(SYNE2):c.17984A>T (p.Lys5995Met)

Gene: SYNE2 (spectrin repeat containing nuclear envelope protein 2; plus strand). Cytogenetic location: 14q23.2.
Variant type: single nucleotide variant.
Coding change: c.17984A>T on transcript NM_182914.3 (MANE Select); coding-DNA position 17984, A replaced by T.
Protein change: p.Lys5995Met; replaces lysine 5995 with methionine.
Molecular consequence: missense variant.
Genome position (GRCh38, 1-based): chr14:64,190,183, A>T. VCF-style: chr14-64190183-A-T. GRCh37 (hg19) VCF-style: chr14-64656901-A-T.
Other names: c.17984A>T, p.Lys5995Met (NM_015180.6); short protein forms K5995M.
Identifiers: ClinVar variation 1468969 (VCV001468969.8), dbSNP rs1021795243, ClinGen allele CA389996100.